The following is an entry in ClinVar:

NM_002529.4(NTRK1):c.1424C>G (p.Ser475Cys)

Gene: NTRK1 (neurotrophic receptor tyrosine kinase 1; plus strand). Cytogenetic location: 1q23.1.
Variant type: single nucleotide variant.
Coding change: c.1424C>G on transcript NM_002529.4 (MANE Select); coding-DNA position 1424, C replaced by G.
Protein change: p.Ser475Cys; replaces serine 475 with cysteine.
Molecular consequence: missense variant.
Genome position (GRCh38, 1-based): chr1:156,875,589, C>G. VCF-style: chr1-156875589-C-G. GRCh37 (hg19) VCF-style: chr1-156845381-C-G.
Other names: p.Ser475Cys; c.1406C>G (NM_001012331.1); c.1316C>G, p.Ser439Cys (NM_001007792.1); c.1406C>G, p.Ser469Cys (NM_001012331.2); short protein forms S439C, S469C, S475C.
Identifiers: ClinVar variation 1694048 (VCV001694048.9), dbSNP rs756402401, ClinGen allele CA1169322.

ClinVar aggregate classification (germline): Uncertain significance. Review status: criteria provided, multiple submitters, no conflicts (2 of 4 stars). 4 submissions from 4 submitters: Uncertain significance (4). Last evaluated 2025-06-07.

Conditions:
Inborn genetic diseases. Identifiers: MedGen C0950123, MeSH D030342.
Hereditary insensitivity to pain with anhidrosis (CIPA). Also called: INSENSITIVITY TO PAIN, CONGENITAL, WITH ANHIDROSIS; FAMILIAL DYSAUTONOMIA, TYPE II; HSAN Type IV; NEUROPATHY, CONGENITAL SENSORY, WITH ANHIDROSIS; hereditary sensory and autonomic neuropathy type 4; NTRK1 Congenital Insensitivity to Pain with Anhidrosis. Identifiers: Orphanet 642, MedGen C0020074, MONDO:0009746, OMIM 256800.

Allele frequency attached by ClinVar (database versions not stated): TOPMed below 0.00001; gnomAD 0.00001; gnomAD exomes 0.00001; ExAC 0.00002.
gnomAD v4.1: 6 of 1,613,776 alleles (0.00037%); highest among the groups gnomAD compares: Non-Finnish European, 0.00042%; no homozygotes.

Submissions (4):

Ambry Genetics
Classification: Uncertain significance for Inborn genetic diseases. Last evaluated: 2025-06-07. Review status: criteria provided, single submitter. Criteria: Ambry Variant Classification Scheme 2023. Collection method: clinical testing. Allele origin: germline.

Labcorp Genetics (formerly Invitae), Labcorp
Classification: Uncertain significance for Hereditary insensitivity to pain with anhidrosis. Last evaluated: 2024-12-09. Review status: criteria provided, single submitter. Criteria: Invitae Variant Classification Sherloc (09022015). Collection method: clinical testing. Allele origin: germline.
Comment: This sequence change replaces serine, which is neutral and polar, with cysteine, which is neutral and slightly polar, at codon 469 of the NTRK1 protein (p.Ser469Cys). This variant is present in population databases (rs756402401, gnomAD 0.0009%). This variant has not been reported in the literature in individuals affected with NTRK1-related conditions. ClinVar contains an entry for this variant (Variation ID: 1694048). Invitae Evidence Modeling of protein sequence and biophysical properties (such as structural, functional, and spatial information, amino acid conservation, physicochemical variation, residue mobility, and thermodynamic stability) indicates that this missense variant is not expected to disrupt NTRK1 protein function with a negative predictive value of 95%. In summary, the available evidence is currently insufficient to determine the role of this variant in disease. Therefore, it has been classified as a Variant of Uncertain Significance.

Genome-Nilou Lab
Classification: Uncertain significance for Hereditary insensitivity to pain with anhidrosis. Last evaluated: 2023-04-11. Review status: criteria provided, single submitter. Criteria: ACMG Guidelines, 2015. Collection method: clinical testing. Allele origin: germline. Affected: no.

Mayo Clinic Laboratories, Mayo Clinic
Classification: Uncertain significance. Last evaluated: 2021-04-15. Review status: criteria provided, single submitter. Criteria: ACMG Guidelines, 2015. Collection method: clinical testing. Allele origin: germline.